The following is an entry in ClinVar:

ClinVar aggregate classification (germline): Uncertain significance (1 of 4 stars; one submission).

Conditions:
Familial thoracic aortic aneurysm and aortic dissection (TAAD). Also called: Thoracic aortic aneurysms and dissections. Identifiers: Orphanet 91387, MedGen C4707243, MONDO:0019625.

Allele frequency attached by ClinVar (database versions not stated): gnomAD exomes below 0.00001; TOPMed below 0.00001.
gnomAD v4.1: 4 of 1,614,130 alleles (0.00025%); highest among the groups gnomAD compares: South Asian, 0.0011%; no homozygotes.

Submission:

Ambry Genetics
Classification: Uncertain significance for Familial thoracic aortic aneurysm and aortic dissection. Last evaluated: 2016-06-20. Review status: criteria provided, single submitter. Criteria: Ambry Variant Classification Scheme 2023. Collection method: clinical testing. Allele origin: germline.
Comment: The p.M47I variant (also known as c.141G>A), located in coding exon 2 of the COL5A2 gene, results from a G to A substitution at nucleotide position 141. The methionine at codon 47 is replaced by isoleucine, an amino acid with highly similar properties. This variant was not reported in population based cohorts in the following databases: Database of Single Nucleotide Polymorphisms (dbSNP), Exome Aggregation Consortium (ExAC), NHLBI Exome Sequencing Project (ESP), and 1000 Genomes Project. In the ESP, this variant was not observed in 6503 samples (13006 alleles) with coverage at this position. This amino acid position is not well conserved in available vertebrate species, and isoleucine is the reference amino acid in other vertebrate species. In addition, this alteration is predicted to be tolerated by in silico analysis. Since supporting evidence is limited at this time, the clinical significance of this variant remains unclear.

NM_000393.5(COL5A2):c.141G>A (p.Met47Ile)

Gene: COL5A2 (collagen type V alpha 2 chain; minus strand). Cytogenetic location: 2q32.2.
Variant type: single nucleotide variant.
Coding change: c.141G>A on transcript NM_000393.5 (MANE Select); coding-DNA position 141, G replaced by A.
Protein change: p.Met47Ile; replaces methionine 47 with isoleucine.
Molecular consequence: missense variant.
Genome position (GRCh38, 1-based): chr2:189,110,406, C>T on the plus strand (G>A on the coding strand, the complement: COL5A2 is on the minus strand). VCF-style: chr2-189110406-C-T. GRCh37 (hg19) VCF-style: chr2-189975132-C-T.
Other names: short protein forms M47I.
Identifiers: ClinVar variation 519671 (VCV000519671.5), dbSNP rs1553519048, ClinGen allele CA349868639.